The following is an entry in ClinVar:

NM_001100.4(ACTA1):c.346G>A (p.Ala116Thr)

Gene: ACTA1 (actin alpha 1, skeletal muscle; minus strand). Cytogenetic location: 1q42.13.
Variant type: single nucleotide variant.
Coding change: c.346G>A on transcript NM_001100.4 (MANE Select); coding-DNA position 346, G replaced by A.
Protein change: p.Ala116Thr; replaces alanine 116 with threonine.
Molecular consequence: missense variant.
Genome position (GRCh38, 1-based): chr1:229,432,664, C>T on the plus strand (G>A on the coding strand, the complement: ACTA1 is on the minus strand). VCF-style: chr1-229432664-C-T. GRCh37 (hg19) VCF-style: chr1-229568411-C-T.
Other names: short protein forms A116T.
Identifiers: ClinVar variation 1475492 (VCV001475492.7), dbSNP rs1659975786, ClinGen allele CA345149754.

ClinVar aggregate classification (germline): Likely pathogenic. Review status: criteria provided, multiple submitters, no conflicts (2 of 4 stars). 2 submissions from 2 submitters: Likely pathogenic (2). Last evaluated 2022-08-09.

Conditions:
Actin accumulation myopathy (CMYO2A). Also called: Nemaline myopathy type 3; Myopathy, actin, congenital, with excess of thin myofilaments; Myopathy, actin, congenital, with cores; Nemaline myopathy 3, with intranuclear rods; CONGENITAL MYOPATHY 2A, TYPICAL, AUTOSOMAL DOMINANT. Identifiers: Orphanet 98904, MedGen C3711389, MONDO:0008070, OMIM 161800.

Submissions (2):

Labcorp Genetics (formerly Invitae), Labcorp
Classification: Likely pathogenic for Actin accumulation myopathy. Last evaluated: 2022-08-09. Review status: criteria provided, single submitter. Criteria: Invitae Variant Classification Sherloc (09022015). Collection method: clinical testing. Allele origin: germline.
Comment: In summary, the currently available evidence indicates that the variant is pathogenic, but additional data are needed to prove that conclusively. Therefore, this variant has been classified as Likely Pathogenic. This variant disrupts the p.Ala116 amino acid residue in ACTA1. Other variant(s) that disrupt this residue have been observed in individuals with ACTA1-related conditions (PMID: 25635128, 32989108), which suggests that this may be a clinically significant amino acid residue. Advanced modeling of protein sequence and biophysical properties (such as structural, functional, and spatial information, amino acid conservation, physicochemical variation, residue mobility, and thermodynamic stability) performed at Invitae indicates that this missense variant is expected to disrupt ACTA1 protein function. ClinVar contains an entry for this variant (Variation ID: 1475492). This variant is also known as p.Ala114Thr. This missense change has been observed in individual(s) with autosomal dominant nemaline myopathy (PMID: 12921789). This variant is not present in population databases (gnomAD no frequency). This sequence change replaces alanine, which is neutral and non-polar, with threonine, which is neutral and polar, at codon 116 of the ACTA1 protein (p.Ala116Thr).

Baylor Genetics
Classification: Likely pathogenic for Actin accumulation myopathy. Last evaluated: 2022-03-07. Review status: criteria provided, single submitter. Criteria: ACMG Guidelines, 2015. Collection method: clinical testing. Allele origin: unknown.

Literature cited by the submitters: PubMed 25635128 (cited by Labcorp Genetics (formerly Invitae), Labcorp); PubMed 32989108 (cited by Labcorp Genetics (formerly Invitae), Labcorp); PubMed 12921789 (cited by Labcorp Genetics (formerly Invitae), Labcorp).